The following is an entry in ClinVar:

ClinVar aggregate classification (germline): Benign/Likely benign. Review status: criteria provided, multiple submitters, no conflicts (2 of 4 stars). 5 submissions from 5 submitters: Benign (2); Likely benign (3). Last evaluated 2026-01-28.

Allele frequency attached by ClinVar (database versions not stated): gnomAD exomes 0.00024 and 0.00066; ExAC 0.00081; ESP Exome Variant Server 0.00177; gnomAD 0.00212 and 0.00220; TOPMed 0.00245; 1000 Genomes Project 0.00359; 1000 Genomes Project 30x 0.00359.
gnomAD v4.1: 710 of 1,605,688 alleles (0.044%); highest among the groups gnomAD compares: African/African-American, 0.8%; 5 homozygotes.

Submissions (6):

Labcorp Genetics (formerly Invitae), Labcorp
Classification: Benign. Last evaluated: 2026-01-28. Review status: criteria provided, single submitter. Criteria: Invitae Variant Classification Sherloc (09022015). Collection method: clinical testing. Allele origin: germline.

Blueprint Genetics
Classification: Likely benign. Last evaluated: 2024-11-22. Review status: criteria provided, single submitter. Criteria: ACMG Guidelines, 2015. Collection method: clinical testing. Allele origin: germline.

GeneDx
Classification: Benign. Last evaluated: 2019-05-06. Review status: criteria provided, single submitter. Criteria: GeneDx Variant Classification Process June 2021. Collection method: clinical testing. Allele origin: germline. Affected: yes.

Center for Pediatric Genomic Medicine, Children's Mercy Hospital and Clinics
Classification: Likely benign. Last evaluated: 2017-01-10. Review status: criteria provided, single submitter. Criteria: ACMG Guidelines, 2015. Collection method: clinical testing. Allele origin: germline.
ClinVar note: Converted during submission from Likely Benign to Likely benign.

Breakthrough Genomics
Classification: Likely benign. Review status: criteria provided, single submitter. Criteria: ACMG Guidelines, 2015. Collection method: not provided. Allele origin: germline. Inheritance: Autosomal dominant inheritance. Affected: yes.

Dr. Peter K. Rogan Lab, Western University
No classification provided (evidence only). Condition: Acute myeloid leukemia. Review status: no classification provided. Collection method: in vitro. Allele origin: not applicable. Functional consequence: retained intron. Not counted in ClinVar's aggregate classification.

NM_001349338.3(FOXP1):c.181-13T>G

Gene: FOXP1 (forkhead box P1; minus strand). Cytogenetic location: 3p13.
Variant type: single nucleotide variant.
Coding change: c.181-13T>G on transcript NM_001349338.3 (MANE Select); 13 bases into the intron before coding-DNA position 181, T replaced by G.
Molecular consequence: intron variant.
Genome position (GRCh38, 1-based): chr3:71,112,650, A>C on the plus strand (T>G on the coding strand, the complement: FOXP1 is on the minus strand). VCF-style: chr3-71112650-A-C. GRCh37 (hg19) VCF-style: chr3-71161801-A-C.
Other names: c.181-13T>G (NM_001244810.2, NM_032682.6, NM_001349340.3 and 5 more transcripts); c.-120-13T>G (NM_001349343.3, NM_001349342.3, NM_001349337.2 and 2 more transcripts).
Identifiers: ClinVar variation 377106 (VCV000377106.15), dbSNP rs139264797, ClinGen allele CA2491311.